The following is an entry in ClinVar:

NM_001457.4(FLNB):c.3812C>T (p.Ala1271Val)

Gene: FLNB (filamin B; plus strand). Cytogenetic location: 3p14.3.
Variant type: single nucleotide variant.
Coding change: c.3812C>T on transcript NM_001457.4 (MANE Select); coding-DNA position 3812, C replaced by T.
Protein change: p.Ala1271Val; replaces alanine 1271 with valine.
Molecular consequence: missense variant.
Genome position (GRCh38, 1-based): chr3:58,124,419, C>T. VCF-style: chr3-58124419-C-T. GRCh37 (hg19) VCF-style: chr3-58110146-C-T.
Other names: c.3812C>T, p.Ala1271Val (NM_001164317.2, NM_001164318.2, NM_001164319.2); short protein forms A1271V.
Identifiers: ClinVar variation 4801710 (VCV004801710.1).

ClinVar aggregate classification (germline): Uncertain significance (1 of 4 stars; one submission).

Submission:

Labcorp Genetics (formerly Invitae), Labcorp
Classification: Uncertain significance. Last evaluated: 2025-02-26. Review status: criteria provided, single submitter. Criteria: Invitae Variant Classification Sherloc (09022015). Collection method: clinical testing. Allele origin: germline.
Comment: This sequence change replaces alanine, which is neutral and non-polar, with valine, which is neutral and non-polar, at codon 1271 of the FLNB protein (p.Ala1271Val). This variant is not present in population databases (gnomAD no frequency). This variant has not been reported in the literature in individuals affected with FLNB-related conditions. Invitae Evidence Modeling of protein sequence and biophysical properties (such as structural, functional, and spatial information, amino acid conservation, physicochemical variation, residue mobility, and thermodynamic stability) indicates that this missense variant is not expected to disrupt FLNB protein function with a negative predictive value of 95%. In summary, the available evidence is currently insufficient to determine the role of this variant in disease. Therefore, it has been classified as a Variant of Uncertain Significance.